The following is an entry in ClinVar:

ClinVar aggregate classification (germline): Uncertain significance (1 of 4 stars; one submission).

Submission:

GeneDx
Classification: Uncertain significance. Last evaluated: 2022-07-14. Review status: criteria provided, single submitter. Criteria: GeneDx Variant Classification Process June 2021. Collection method: clinical testing. Allele origin: germline. Affected: yes.
Comment: Not observed at significant frequency in large population cohorts (gnomAD); Has not been previously published as pathogenic or benign to our knowledge; In silico analysis suggests this variant may impact gene splicing. In the absence of RNA/functional studies, the actual effect of this sequence change is unknown

NM_001429.4(EP300):c.4515G>A (p.Glu1505=)

Gene: EP300 (E1A binding protein p300; plus strand). Cytogenetic location: 22q13.2.
Variant type: single nucleotide variant.
Coding change: c.4515G>A on transcript NM_001429.4 (MANE Select); coding-DNA position 4515, G replaced by A.
Protein change: p.Glu1505=; no amino-acid change (glutamic acid 1505 retained).
Molecular consequence: synonymous variant.
Genome position (GRCh38, 1-based): chr22:41,172,561, G>A. VCF-style: chr22-41172561-G-A. GRCh37 (hg19) VCF-style: chr22-41568565-G-A.
Other names: c.4437G>A, p.Glu1479= (NM_001362843.2).
Identifiers: ClinVar variation 1878957 (VCV001878957.1), dbSNP rs2059176809, ClinGen allele CA514650370.